The following is an entry in ClinVar:

NM_198586.3(NHLRC1):c.773A>G (p.Gln258Arg)

Gene: NHLRC1 (NHL repeat containing E3 ubiquitin protein ligase 1; minus strand). Cytogenetic location: 6p22.3.
Variant type: single nucleotide variant.
Coding change: c.773A>G on transcript NM_198586.3 (MANE Select); coding-DNA position 773, A replaced by G.
Protein change: p.Gln258Arg; replaces glutamine 258 with arginine.
Molecular consequence: missense variant.
Genome position (GRCh38, 1-based): chr6:18,121,834, T>C on the plus strand (A>G on the coding strand, the complement: NHLRC1 is on the minus strand). VCF-style: chr6-18121834-T-C. GRCh37 (hg19) VCF-style: chr6-18122065-T-C.
Other names: short protein forms Q258R.
Identifiers: ClinVar variation 1302368 (VCV001302368.7), dbSNP rs377025668, ClinGen allele CA3649938.

ClinVar aggregate classification (germline): Uncertain significance. Review status: criteria provided, multiple submitters, no conflicts (2 of 4 stars). 3 submissions from 3 submitters: Uncertain significance (3). Last evaluated 2024-10-30.

Conditions:
Lafora disease. Also called: Epilepsy progressive myoclonic 2. Identifiers: Orphanet 501, MedGen C0751783, MONDO:0009697.
Inborn genetic diseases. Identifiers: MedGen C0950123, MeSH D030342.

Allele frequency attached by ClinVar (database versions not stated): gnomAD 0.00001; TOPMed 0.00001; ExAC 0.00002; gnomAD exomes 0.00002 and 0.00008; ESP Exome Variant Server 0.00008.

Submissions (3):

Labcorp Genetics (formerly Invitae), Labcorp
Classification: Uncertain significance for Lafora disease. Last evaluated: 2024-10-30. Review status: criteria provided, single submitter. Criteria: Invitae Variant Classification Sherloc (09022015). Collection method: clinical testing. Allele origin: germline.
Comment: This sequence change replaces glutamine, which is neutral and polar, with arginine, which is basic and polar, at codon 258 of the NHLRC1 protein (p.Gln258Arg). This variant is present in population databases (rs377025668, gnomAD 0.007%). This variant has not been reported in the literature in individuals affected with NHLRC1-related conditions. ClinVar contains an entry for this variant (Variation ID: 1302368). Invitae Evidence Modeling of protein sequence and biophysical properties (such as structural, functional, and spatial information, amino acid conservation, physicochemical variation, residue mobility, and thermodynamic stability) indicates that this missense variant is not expected to disrupt NHLRC1 protein function with a negative predictive value of 95%. In summary, the available evidence is currently insufficient to determine the role of this variant in disease. Therefore, it has been classified as a Variant of Uncertain Significance.

GeneDx
Classification: Uncertain significance. Last evaluated: 2019-07-22. Review status: criteria provided, single submitter. Criteria: GeneDx Variant Classification Process June 2021. Collection method: clinical testing. Allele origin: germline. Affected: yes.
Comment: Not observed at a significant frequency in large population cohorts (Lek et al., 2016); In silico analysis, which includes protein predictors and evolutionary conservation, supports that this variant does not alter protein structure/function; Has not been previously published as pathogenic or benign to our knowledge

Ambry Genetics
Classification: Uncertain significance for Inborn genetic diseases. Last evaluated: 2017-09-21. Review status: criteria provided, single submitter. Criteria: Ambry Variant Classification Scheme 2023. Collection method: clinical testing. Allele origin: germline.
Comment: The p.Q258R variant (also known as c.773A>G), located in coding exon 1 of the NHLRC1 gene, results from an A to G substitution at nucleotide position 773. The glutamine at codon 258 is replaced by arginine, an amino acid with highly similar properties. This amino acid position is not well conserved in available vertebrate species. In addition, this alteration is predicted to be tolerated by in silico analysis. Since supporting evidence is limited at this time, the clinical significance of this alteration remains unclear.